The following is an entry in ClinVar:

ClinVar aggregate classification (germline): Likely benign (0 of 4 stars; one submission).

Conditions:
TET1-related disorder. Also called: TET1-related condition.

Allele frequency attached by ClinVar (database versions not stated): ExAC 0.00007; ESP Exome Variant Server 0.00023; gnomAD 0.00026; TOPMed 0.00028; 1000 Genomes Project 30x 0.00047; 1000 Genomes Project 0.00060.
gnomAD v4.1: 74 of 1,614,162 alleles (0.0046%); highest among the groups gnomAD compares: African/African-American, 0.084%; no homozygotes.

Submission:

PreventionGenetics, part of Exact Sciences
Classification: Likely benign for TET1-related condition. Last evaluated: 2020-02-18. Review status: no assertion criteria provided. Collection method: clinical testing. Allele origin: germline.
Comment: This variant is classified as likely benign based on ACMG/AMP sequence variant interpretation guidelines (Richards et al. 2015 PMID: 25741868, with internal and published modifications).

NM_030625.3(TET1):c.1644C>T (p.Val548=)

Gene: TET1 (tet methylcytosine dioxygenase 1; plus strand). Cytogenetic location: 10q21.3.
Variant type: single nucleotide variant.
Coding change: c.1644C>T on transcript NM_030625.3 (MANE Select); coding-DNA position 1644, C replaced by T.
Protein change: p.Val548=; no amino-acid change (valine 548 retained).
Molecular consequence: synonymous variant.
Genome position (GRCh38, 1-based): chr10:68,573,982, C>T. VCF-style: chr10-68573982-C-T. GRCh37 (hg19) VCF-style: chr10-70333739-C-T.
Other names: c.1644C>T, p.Val548= (NM_001406365.1, NM_001406373.1, NM_001406374.1).
Identifiers: ClinVar variation 3051357 (VCV003051357.2), dbSNP rs148248636, ClinGen allele CA5526121.
Genomic context (GRCh38, chr10:68,573,982, plus strand): 5'-GGGTATAGCCCAACTCTCTCAGGCTGGTCCTAGCAAATCAGACAGAGGGAGCTCCCAGGT[C>T]AGTGTAACCAGCACAGTTCATGTTGTCAACACCACAGTGGTGACTATGCCAGTGCCAATG-3'
Protein context (NP_085128.2, residues 538-558): PSKSDRGSSQ[Val548=]SVTSTVHVVN